The following is an entry in ClinVar:

ClinVar aggregate classification (germline): Pathogenic (1 of 4 stars; one submission).

Conditions:
Tuberous sclerosis 2 (TSC2). Identifiers: Orphanet 805, MedGen C1860707, MONDO:0013199, OMIM 613254.

Allele frequency attached by ClinVar (database versions not stated): TOPMed below 0.00001; gnomAD 0.00001.

Submission:

Labcorp Genetics (formerly Invitae), Labcorp
Classification: Pathogenic for Tuberous sclerosis 2. Last evaluated: 2025-11-05. Review status: criteria provided, single submitter. Criteria: Invitae Variant Classification Sherloc (09022015). Collection method: clinical testing. Allele origin: germline.
Comment: This sequence change falls in intron 30 of the TSC2 gene. It does not directly change the encoded amino acid sequence of the TSC2 protein. RNA analysis indicates that this variant induces altered splicing and may result in an absent or altered protein product. This variant is not present in population databases (gnomAD no frequency). This variant has not been reported in the literature in individuals affected with TSC2-related conditions. Studies have shown that this variant results in activation of a cryptic splice site , and produces a non-functional protein and/or introduces a premature termination codon (internal data). For these reasons, this variant has been classified as Pathogenic.

NM_000548.5(TSC2):c.3610+419C>G

Gene: TSC2 (TSC complex subunit 2; plus strand). Cytogenetic location: 16p13.3.
Variant type: single nucleotide variant.
Coding change: c.3610+419C>G on transcript NM_000548.5 (MANE Select); 419 bases into the intron after coding-DNA position 3610, C replaced by G.
Molecular consequence: intron variant.
Genome position (GRCh38, 1-based): chr16:2,080,796, C>G. VCF-style: chr16-2080796-C-G. GRCh37 (hg19) VCF-style: chr16-2130797-C-G.
Other names: c.2137+419C>G (NM_001406693.1, NM_001406690.1, NM_001406692.1 and 1 more transcripts); c.3571+419C>G (NM_001406667.1); c.3568+419C>G (NM_001406668.1); c.3010+419C>G (NM_001406680.1, NM_001406683.1, NM_001406682.1); c.2878+419C>G (NM_001406687.1, NM_001318831.2, NM_001406688.1); c.2266+419C>G (NM_001406689.1); c.2134+419C>G (NM_001406691.1, NM_001406697.1, NM_001406695.1 and 1 more transcripts); c.1876+419C>G (NM_001406698.1); and 18 more.
Identifiers: ClinVar variation 2844238 (VCV002844238.3), dbSNP rs1195418667, ClinGen allele CA718913465.
Genomic context (GRCh38, chr16:2,080,796, plus strand): 5'-GGCCTCCCAAAGTGCTGGGATTACAGGCGTGAGCCACCGCGCCCAGCCATTTGGGGGTAA[C>G]TTGTAAGTCTCCAGAGGTGAGCTGTGAGGGGCGATCCAGGTGGCTGAGGTGGGGCAGGGG-3'